The following is an entry in ClinVar:

NM_004336.5(BUB1):c.1111G>T (p.Ala371Ser)

Gene: BUB1 (BUB1 mitotic checkpoint serine/threonine kinase; minus strand). Cytogenetic location: 2q13.
Variant type: single nucleotide variant.
Coding change: c.1111G>T on transcript NM_004336.5 (MANE Select); coding-DNA position 1111, G replaced by T.
Protein change: p.Ala371Ser; replaces alanine 371 with serine.
Molecular consequence: missense variant.
Genome position (GRCh38, 1-based): chr2:110,661,688, C>A on the plus strand (G>T on the coding strand, the complement: BUB1 is on the minus strand). VCF-style: chr2-110661688-C-A. GRCh37 (hg19) VCF-style: chr2-111419265-C-A.
Other names: c.1051G>T, p.Ala351Ser (NM_001278616.2); c.1111G>T, p.Ala371Ser (NM_001278617.2); short protein forms A351S, A371S.
Identifiers: ClinVar variation 3262146 (VCV003262146.1).
Genomic context (GRCh38, chr2:110,661,688, plus strand): 5'-GGGCTTTCAAAGGAACAGGAGGAGCAATGCTCTGGCTGGTGGCTGGGGACACCAAAGCTG[C>A]AGAAATAGCATTTGCCAAAGGAGGAACAACAGGAGGTGCCTCTCTTGGGTTCTTTTCCAT-3'
Protein context (NP_004327.1, residues 361-381): VVPPLANAIS[Ala371Ser]ALVSPATSQS

ClinVar aggregate classification (germline): Uncertain significance (1 of 4 stars; one submission).

Submission:

Ambry Genetics
Classification: Uncertain significance. Last evaluated: 2024-04-26. Review status: criteria provided, single submitter. Criteria: Ambry Variant Classification Scheme 2023. Collection method: clinical testing. Allele origin: germline.
Comment: The p.A371S variant (also known as c.1111G>T), located in coding exon 10 of the BUB1 gene, results from a G to T substitution at nucleotide position 1111. The alanine at codon 371 is replaced by serine, an amino acid with similar properties. This amino acid position is conserved. In addition, this alteration is predicted to be tolerated by in silico analysis. Based on the available evidence, the clinical significance of this variant remains unclear.